The following is an entry in ClinVar:

ClinVar aggregate classification (germline): Pathogenic (1 of 4 stars; one submission).

Conditions:
Kabuki syndrome. Also called: Kabuki make-up syndrome; NIIKAWA-KUROKI SYNDROME. Identifiers: Orphanet 2322, MedGen C0796004, MONDO:0016512.

Submission:

Labcorp Genetics (formerly Invitae), Labcorp
Classification: Pathogenic for Kabuki syndrome. Last evaluated: 2024-08-30. Review status: criteria provided, single submitter. Criteria: Invitae Variant Classification Sherloc (09022015). Collection method: clinical testing. Allele origin: germline.
Comment: This sequence change creates a premature translational stop signal (p.Tyr1559*) in the KMT2D gene. It is expected to result in an absent or disrupted protein product. Loss-of-function variants in KMT2D are known to be pathogenic (PMID: 22126750). This variant is not present in population databases (gnomAD no frequency). This variant has not been reported in the literature in individuals affected with KMT2D-related conditions. For these reasons, this variant has been classified as Pathogenic.

Literature cited by the submitters: PubMed 22126750.

NM_003482.4(KMT2D):c.4677C>G (p.Tyr1559Ter)

Gene: KMT2D (lysine methyltransferase 2D; minus strand). Cytogenetic location: 12q13.12.
Variant type: single nucleotide variant.
Coding change: c.4677C>G on transcript NM_003482.4 (MANE Select); coding-DNA position 4677, C replaced by G.
Protein change: p.Tyr1559Ter; replaces tyrosine 1559 with a stop codon.
Molecular consequence: nonsense.
Genome position (GRCh38, 1-based): chr12:49,046,081, G>C on the plus strand (C>G on the coding strand, the complement: KMT2D is on the minus strand). VCF-style: chr12-49046081-G-C. GRCh37 (hg19) VCF-style: chr12-49439864-G-C.
Other names: short protein forms Y1559*.
Identifiers: ClinVar variation 3639058 (VCV003639058.2).